The following is an entry in ClinVar:

NM_000059.4(BRCA2):c.4694A>G (p.Lys1565Arg)

Gene: BRCA2 (BRCA2 DNA repair associated; plus strand). Cytogenetic location: 13q13.1.
Variant type: single nucleotide variant.
Coding change: c.4694A>G on transcript NM_000059.4 (MANE Select); coding-DNA position 4694, A replaced by G.
Protein change: p.Lys1565Arg; replaces lysine 1565 with arginine.
Molecular consequence: missense variant. On other transcripts: non-coding transcript variant (1), intron variant (2).
Genome position (GRCh38, 1-based): chr13:32,339,049, A>G. VCF-style: chr13-32339049-A-G. GRCh37 (hg19) VCF-style: chr13-32913186-A-G.
Other names: c.4694A>G, p.Lys1565Arg (NM_001406719.1, NM_001406720.1); c.1910-5509A>G (NM_001406721.1); c.425-5509A>G (NM_001406722.1); short protein forms K1565R.
Identifiers: ClinVar variation 2451505 (VCV002451505.2), dbSNP rs2137509148, ClinGen allele CA387782875.

ClinVar aggregate classification (germline): Uncertain significance (1 of 4 stars; one submission).

Conditions:
Hereditary cancer-predisposing syndrome. Also called: Neoplastic Syndromes, Hereditary; Tumor predisposition; Hereditary neoplastic syndrome; Hereditary Cancer Syndrome. Identifiers: Orphanet 140162, MedGen C0027672, MeSH D009386, MONDO:0015356.

Submission:

Ambry Genetics
Classification: Uncertain significance for Hereditary cancer-predisposing syndrome. Last evaluated: 2022-12-14. Review status: criteria provided, single submitter. Criteria: Ambry Variant Classification Scheme 2023. Collection method: clinical testing. Allele origin: germline.
Comment: The p.K1565R variant (also known as c.4694A>G), located in coding exon 10 of the BRCA2 gene, results from an A to G substitution at nucleotide position 4694. The lysine at codon 1565 is replaced by arginine, an amino acid with highly similar properties. This amino acid position is not well conserved in available vertebrate species. In addition, this alteration is predicted to be tolerated by in silico analysis. Since supporting evidence is limited at this time, the clinical significance of this alteration remains unclear.